The following is an entry in ClinVar:

ClinVar aggregate classification (germline): Uncertain significance. Review status: criteria provided, multiple submitters, no conflicts (2 of 4 stars). 2 submissions from 2 submitters: Uncertain significance (2). Last evaluated 2023-11-17.

Conditions:
Hereditary cancer-predisposing syndrome. Also called: Hereditary Cancer Syndrome; Tumor predisposition; Hereditary neoplastic syndrome; Neoplastic Syndromes, Hereditary. Identifiers: Orphanet 140162, MedGen C0027672, MeSH D009386, MONDO:0015356.

Submissions (2):

Ambry Genetics
Classification: Uncertain significance for Hereditary cancer-predisposing syndrome. Last evaluated: 2023-11-17. Review status: criteria provided, single submitter. Criteria: Ambry Variant Classification Scheme 2023. Collection method: clinical testing. Allele origin: germline.
Comment: The p.E489A variant (also known as c.1466A>C), located in coding exon 10 of the CTNNA1 gene, results from an A to C substitution at nucleotide position 1466. The glutamic acid at codon 489 is replaced by alanine, an amino acid with dissimilar properties. This amino acid position is conserved. In addition, the in silico prediction for this alteration is inconclusive. Since supporting evidence is limited at this time, the clinical significance of this alteration remains unclear.

Labcorp Genetics (formerly Invitae), Labcorp
Classification: Uncertain significance. Last evaluated: 2020-10-18. Review status: criteria provided, single submitter. Criteria: Invitae Variant Classification Sherloc (09022015). Collection method: clinical testing. Allele origin: germline.
Comment: In summary, the available evidence is currently insufficient to determine the role of this variant in disease. Therefore, it has been classified as a Variant of Uncertain Significance. Algorithms developed to predict the effect of missense changes on protein structure and function are either unavailable or do not agree on the potential impact of this missense change (SIFT: "Deleterious"; PolyPhen-2: "Benign"; Align-GVGD: "Class C0"). This variant has not been reported in the literature in individuals with CTNNA1-related conditions. This variant is not present in population databases (ExAC no frequency). This sequence change replaces glutamic acid with alanine at codon 489 of the CTNNA1 protein (p.Glu489Ala). The glutamic acid residue is highly conserved and there is a moderate physicochemical difference between glutamic acid and alanine.

NM_001903.5(CTNNA1):c.1466A>C (p.Glu489Ala)

Gene: CTNNA1 (catenin alpha 1; plus strand). Cytogenetic location: 5q31.2.
Variant type: single nucleotide variant.
Coding change: c.1466A>C on transcript NM_001903.5 (MANE Select); coding-DNA position 1466, A replaced by C.
Protein change: p.Glu489Ala; replaces glutamic acid 489 with alanine.
Molecular consequence: missense variant.
Genome position (GRCh38, 1-based): chr5:138,917,818, A>C. VCF-style: chr5-138917818-A-C. GRCh37 (hg19) VCF-style: chr5-138253507-A-C.
Other names: c.1466A>C (NM_001903.2); c.1466A>C, p.Glu489Ala (NM_001290307.3, NM_001323982.2, NM_001323983.1 and 2 more transcripts); c.1157A>C, p.Glu386Ala (NM_001290309.3); c.1097A>C, p.Glu366Ala (NM_001290310.3); c.356A>C, p.Glu119Ala (NM_001290312.1, NM_001323987.1, NM_001323988.1 and 17 more transcripts); c.1373A>C, p.Glu458Ala (NM_001323986.2); c.17A>C, p.Glu6Ala (NM_001324006.1, NM_001324007.1, NM_001324008.1 and 2 more transcripts); c.263A>C, p.Glu88Ala (NM_001324011.1); and 1 more; short protein forms E38A, E119A, E458A, E366A, E6A, E88A, E386A, E489A.
Identifiers: ClinVar variation 1045007 (VCV001045007.9), dbSNP rs1762110873, ClinGen allele CA361137251.